The following is an entry in ClinVar:

ClinVar aggregate classification (germline): Likely pathogenic (1 of 4 stars; one submission).

Conditions:
CIROP-related disorder. Also called: CIROP-related condition.

Submission:

PreventionGenetics, part of Exact Sciences
Classification: Likely pathogenic for CIROP-related condition. Last evaluated: 2025-07-23. Review status: criteria provided, single submitter. Criteria: ACMG Guidelines, 2015. Collection method: clinical testing. Allele origin: germline.
Comment: The CIROP c.994_997delGAGA variant is predicted to result in a frameshift and premature protein termination (p.Glu332Thrfs*7). To our knowledge, this variant has not been reported in the literature. This variant is reported in 0.0019% of alleles in individuals of European (non-Finnish) descent in gnomAD. Frameshift variants in CIROP are expected to be pathogenic. This variant is interpreted as likely pathogenic.

NM_001354640.2(CIROP):c.994_997del (p.Glu332fs)

Gene: CIROP (ciliated left-right organizer metallopeptidase; minus strand). Cytogenetic location: 14q11.2.
Variant type: Microsatellite.
Coding change: c.994_997del on transcript NM_001354640.2 (MANE Select); coding-DNA positions 994 to 997, 4 bases deleted (GAGA; older notation c.994_997delGAGA).
Protein change: p.Glu332fs; shifts the reading frame from glutamic acid 332.
Molecular consequence: frameshift variant.
Genome position (GRCh38, 1-based): chr14:23,102,481-23,102,484, TCTC deleted on the plus strand (GAGA on the coding strand, the reverse complement: CIROP is on the minus strand); deleting any 4 consecutive bases within chr14:23,102,481-23,102,487 gives the same sequence; the c. name uses the placement nearest the transcript's 3' end. VCF-style (leftmost placement, unchanged base first): chr14-23102480-TTCTC-T. GRCh37 (hg19) VCF-style: chr14-23571689-TTCTC-T.
Other names: c.829_832del, p.Glu277fs (NM_001402427.1); short protein forms E277fs, E332fs.
Identifiers: ClinVar variation 5000715 (VCV005000715.1).
Genomic context (GRCh38, chr14:23,102,480, plus strand): 5'-GTGGTGAGAAGCAGTTGTCCCCACTCATCTTGCCTTGTCACTAGTTGCCTTGTAGAACAG[TTCTC>T]TCTAACTGCAGAAAGGGAAGAAGGCAGTACGAGGAGAGGAAAACTTAGGAAGGGTGAAGT-3'